The following is an entry in ClinVar:

ClinVar aggregate classification (germline): Uncertain significance (1 of 4 stars; one submission).

Conditions:
Severe combined immunodeficiency due to DNA-PKcs deficiency. Also called: Immunodeficiency 26 with or without neurologic abnormalities; IMMUNODEFICIENCY 26 WITH NEUROLOGIC ABNORMALITIES. Identifiers: Orphanet 317425, MedGen C4014833, MONDO:0014423, OMIM 615966.

Allele frequency attached by ClinVar (database versions not stated): gnomAD exomes 0.00001; ExAC 0.00002; ESP Exome Variant Server 0.00008.
gnomAD v4.1: 12 of 1,613,842 alleles (0.00074%); highest among the groups gnomAD compares: African/African-American, 0.0013%; no homozygotes.

Submission:

Labcorp Genetics (formerly Invitae), Labcorp
Classification: Uncertain significance for Severe combined immunodeficiency due to DNA-PKcs deficiency. Last evaluated: 2024-05-29. Review status: criteria provided, single submitter. Criteria: Invitae Variant Classification Sherloc (09022015). Collection method: clinical testing. Allele origin: germline.
Comment: This sequence change replaces arginine, which is basic and polar, with cysteine, which is neutral and slightly polar, at codon 3282 of the PRKDC protein (p.Arg3282Cys). This variant is present in population databases (rs376488016, gnomAD 0.004%). This variant has not been reported in the literature in individuals affected with PRKDC-related conditions. ClinVar contains an entry for this variant (Variation ID: 1421687). Advanced modeling of protein sequence and biophysical properties (such as structural, functional, and spatial information, amino acid conservation, physicochemical variation, residue mobility, and thermodynamic stability) performed at Invitae indicates that this missense variant is not expected to disrupt PRKDC protein function with a negative predictive value of 80%. In summary, the available evidence is currently insufficient to determine the role of this variant in disease. Therefore, it has been classified as a Variant of Uncertain Significance.

NM_006904.7(PRKDC):c.9844C>T (p.Arg3282Cys)

Gene: PRKDC (protein kinase, DNA-activated, catalytic subunit; minus strand). Cytogenetic location: 8q11.21.
Variant type: single nucleotide variant.
Coding change: c.9844C>T on transcript NM_006904.7 (MANE Select); coding-DNA position 9844, C replaced by T.
Protein change: p.Arg3282Cys; replaces arginine 3282 with cysteine.
Molecular consequence: missense variant.
Genome position (GRCh38, 1-based): chr8:47,803,384, G>A on the plus strand (C>T on the coding strand, the complement: PRKDC is on the minus strand). VCF-style: chr8-47803384-G-A. GRCh37 (hg19) VCF-style: chr8-48715945-G-A.
Other names: c.9844C>T, p.Arg3282Cys (NM_001081640.2); short protein forms R3282C.
Identifiers: ClinVar variation 1421687 (VCV001421687.6), dbSNP rs376488016, ClinGen allele CA4739473.